The following is an entry in ClinVar:

NM_004360.5(CDH1):c.140A>T (p.Glu47Val)

Gene: CDH1 (cadherin 1; plus strand). Cytogenetic location: 16q22.1.
Variant type: single nucleotide variant.
Coding change: c.140A>T on transcript NM_004360.5 (MANE Select); coding-DNA position 140, A replaced by T.
Protein change: p.Glu47Val; replaces glutamic acid 47 with valine.
Molecular consequence: missense variant. On other transcripts: 5 prime UTR variant (2).
Genome position (GRCh38, 1-based): chr16:68,738,388, A>T. VCF-style: chr16-68738388-A-T. GRCh37 (hg19) VCF-style: chr16-68772291-A-T.
Other names: c.140A>T, p.Glu47Val (NM_001317184.2); c.-1476A>T (NM_001317185.2); c.-1680A>T (NM_001317186.2); short protein forms E47V.
Identifiers: ClinVar variation 2453327 (VCV002453327.5), dbSNP rs2152114458, ClinGen allele CA396452233.

ClinVar aggregate classification (germline): Uncertain significance. Review status: criteria provided, multiple submitters, no conflicts (2 of 4 stars). 2 submissions from 2 submitters: Uncertain significance (2). Last evaluated 2025-03-17.

Conditions:
Hereditary cancer-predisposing syndrome. Also called: Hereditary neoplastic syndrome; Tumor predisposition; Neoplastic Syndromes, Hereditary; Hereditary Cancer Syndrome. Identifiers: Orphanet 140162, MedGen C0027672, MeSH D009386, MONDO:0015356.
Hereditary diffuse gastric adenocarcinoma (HDGC). Also called: DIFFUSE GASTRIC AND LOBULAR BREAST CANCER SYNDROME. Identifiers: Orphanet 26106, MedGen C1708349, MONDO:0007648, OMIM 137215.

Submissions (2):

Ambry Genetics
Classification: Uncertain significance for Hereditary cancer-predisposing syndrome. Last evaluated: 2025-03-17. Review status: criteria provided, single submitter. Criteria: Ambry Variant Classification Scheme 2023. Collection method: clinical testing. Allele origin: germline.
Comment: The p.E47V variant (also known as c.140A>T), located in coding exon 2 of the CDH1 gene, results from an A to T substitution at nucleotide position 140. The glutamic acid at codon 47 is replaced by valine, an amino acid with dissimilar properties. This amino acid position is well conserved in available vertebrate species. In addition, this alteration is predicted to be tolerated by in silico analysis. Based on the available evidence, the clinical significance of this variant remains unclear.

Labcorp Genetics (formerly Invitae), Labcorp
Classification: Uncertain significance for Hereditary diffuse gastric adenocarcinoma. Last evaluated: 2024-08-31. Review status: criteria provided, single submitter. Criteria: Invitae Variant Classification Sherloc (09022015). Collection method: clinical testing. Allele origin: germline.
Comment: This sequence change replaces glutamic acid, which is acidic and polar, with valine, which is neutral and non-polar, at codon 47 of the CDH1 protein (p.Glu47Val). This variant is not present in population databases (gnomAD no frequency). This variant has not been reported in the literature in individuals affected with CDH1-related conditions. ClinVar contains an entry for this variant (Variation ID: 2453327). An algorithm developed to predict the effect of missense changes on protein structure and function (PolyPhen-2) suggests that this variant is likely to be tolerated. Algorithms developed to predict the effect of sequence changes on RNA splicing suggest that this variant may create or strengthen a splice site. In summary, the available evidence is currently insufficient to determine the role of this variant in disease. Therefore, it has been classified as a Variant of Uncertain Significance.